The following is an entry in ClinVar:

ClinVar aggregate classification (germline): Pathogenic (1 of 4 stars; one submission).

Submission:

Labcorp Genetics (formerly Invitae), Labcorp
Classification: Pathogenic. Last evaluated: 2021-08-14. Review status: criteria provided, single submitter. Criteria: Invitae Variant Classification Sherloc (09022015). Collection method: clinical testing. Allele origin: germline.
Comment: For these reasons, this variant has been classified as Pathogenic. Variants that disrupt the consensus splice site are a relatively common cause of aberrant splicing (PMID: 17576681, 9536098). Algorithms developed to predict the effect of sequence changes on RNA splicing suggest that this variant may disrupt the consensus splice site. This variant has not been reported in the literature in individuals affected with CDH23-related conditions. This variant is not present in population databases (ExAC no frequency). This sequence change creates a premature translational stop signal (p.Gly687*) in the CDH23 gene. It is expected to result in an absent or disrupted protein product. Loss-of-function variants in CDH23 are known to be pathogenic (PMID: 11138009, 21940737).

Literature cited by the submitters: PubMed 17576681; PubMed 9536098; PubMed 11138009; PubMed 21940737.

NM_022124.6(CDH23):c.2059G>T (p.Gly687Ter)

Gene: CDH23 (cadherin related 23; plus strand). Cytogenetic location: 10q22.1.
Variant type: single nucleotide variant.
Coding change: c.2059G>T on transcript NM_022124.6 (MANE Select); coding-DNA position 2059, G replaced by T.
Protein change: p.Gly687Ter; replaces glycine 687 with a stop codon.
Molecular consequence: nonsense.
Genome position (GRCh38, 1-based): chr10:71,687,719, G>T. VCF-style: chr10-71687719-G-T. GRCh37 (hg19) VCF-style: chr10-73447476-G-T.
Other names: c.2059G>T, p.Gly687Ter (NM_001171930.2, NM_001171931.2); short protein forms G687*.
Identifiers: ClinVar variation 1448126 (VCV001448126.6), dbSNP rs1864965277, ClinGen allele CA377133527.
Genomic context (GRCh38, chr10:71,687,719, plus strand): 5'-AACCCTCCCACCTTCAGCAAGCCCGCCTACTTCGTCTCCGTGGTGGAGAACATCATGGCA[G>T]GTACAGGCTCAGGTCGGGGGGTGGGGGGCACATGGAGGTAGGCAGCCAGCAGTCACGGCA-3'